The following is an entry in ClinVar:

ClinVar aggregate classification (germline): Uncertain significance. Review status: criteria provided, multiple submitters, no conflicts (2 of 4 stars). 4 submissions from 4 submitters: Uncertain significance (4). Last evaluated 2026-06-24.

Conditions:
Hereditary cancer-predisposing syndrome. Also called: Hereditary neoplastic syndrome; Neoplastic Syndromes, Hereditary; Hereditary Cancer Syndrome; Tumor predisposition. Identifiers: Orphanet 140162, MedGen C0027672, MeSH D009386, MONDO:0015356.
Peutz-Jeghers syndrome (PJS). Also called: Peutz-Jeghers polyposis; Periorificial lentiginosis syndrome; POLYPOSIS, HAMARTOMATOUS INTESTINAL; POLYPS-AND-SPOTS SYNDROME. Identifiers: Orphanet 2869, MedGen C0031269, MeSH D010580, MONDO:0008280, OMIM 175200.

Submissions (4):

Ambry Genetics
Classification: Uncertain significance for Hereditary cancer-predisposing syndrome. Last evaluated: 2026-06-24. Review status: criteria provided, single submitter. Criteria: Ambry Variant Classification Scheme 2023. Collection method: clinical testing. Allele origin: germline.
Comment: The p.A389S variant (also known as c.1165G>T), located in coding exon 9 of the STK11 gene, results from a G to T substitution at nucleotide position 1165. The alanine at codon 389 is replaced by serine, an amino acid with similar properties. This amino acid position is conserved. In addition, this alteration is predicted to be tolerated by in silico analysis. Based on the available evidence, the clinical significance of this variant remains unclear.

CeGaT Center for Human Genetics Tuebingen
Classification: Uncertain significance. Last evaluated: 2025-05-01. Review status: criteria provided, single submitter. Criteria: CeGaT Center For Human Genetics Tuebingen Variant Classification Criteria Version 2. Collection method: clinical testing. Allele origin: germline. Affected: yes. Observed: 1 variant allele.
Comment: STK11: PM2, BP4

Color Diagnostics, LLC DBA Color Health
Classification: Uncertain significance for Hereditary cancer-predisposing syndrome. Last evaluated: 2024-03-06. Review status: criteria provided, single submitter. Criteria: ACMG Guidelines, 2015. Collection method: clinical testing. Allele origin: germline.
Comment: This missense variant replaces alanine with serine at codon 389 of the STK11 protein. Computational prediction suggests that this variant may not impact protein structure and function (internally defined REVEL score threshold <= 0.5, PMID: 27666373). Splice site prediction tools suggest that this variant may not impact RNA splicing. To our knowledge, functional studies have not been performed for this variant. This variant has not been reported in individuals affected with hereditary cancer in the literature. This variant has not been identified in the general population by the Genome Aggregation Database (gnomAD). The available evidence is insufficient to determine the role of this variant in disease conclusively. Therefore, this variant is classified as a Variant of Uncertain Significance.

Labcorp Genetics (formerly Invitae), Labcorp
Classification: Uncertain significance for Peutz-Jeghers syndrome. Last evaluated: 2024-02-07. Review status: criteria provided, single submitter. Criteria: Invitae Variant Classification Sherloc (09022015). Collection method: clinical testing. Allele origin: germline.
Comment: This sequence change replaces alanine, which is neutral and non-polar, with serine, which is neutral and polar, at codon 389 of the STK11 protein (p.Ala389Ser). This variant is not present in population databases (gnomAD no frequency). This variant has not been reported in the literature in individuals affected with STK11-related conditions. ClinVar contains an entry for this variant (Variation ID: 490160). Advanced modeling of protein sequence and biophysical properties (such as structural, functional, and spatial information, amino acid conservation, physicochemical variation, residue mobility, and thermodynamic stability) performed at Invitae indicates that this missense variant is not expected to disrupt STK11 protein function with a negative predictive value of 95%. In summary, the available evidence is currently insufficient to determine the role of this variant in disease. Therefore, it has been classified as a Variant of Uncertain Significance.

NM_000455.5(STK11):c.1165G>T (p.Ala389Ser)

Gene: STK11 (serine/threonine kinase 11; plus strand). Cytogenetic location: 19p13.3.
Variant type: single nucleotide variant.
Coding change: c.1165G>T on transcript NM_000455.5 (MANE Select); coding-DNA position 1165, G replaced by T.
Protein change: p.Ala389Ser; replaces alanine 389 with serine.
Molecular consequence: missense variant.
Genome position (GRCh38, 1-based): chr19:1,226,510, G>T. VCF-style: chr19-1226510-G-T. GRCh37 (hg19) VCF-style: chr19-1226509-G-T.
Other names: short protein forms A389S.
Identifiers: ClinVar variation 490160 (VCV000490160.22), dbSNP rs1555740118, ClinGen allele CA402953471.